The following is an entry in ClinVar:

NM_000553.6(WRN):c.3121T>C (p.Cys1041Arg)

Gene: WRN (WRN RecQ like helicase; plus strand). Cytogenetic location: 8p12.
Variant type: single nucleotide variant.
Coding change: c.3121T>C on transcript NM_000553.6 (MANE Select); coding-DNA position 3121, T replaced by C.
Protein change: p.Cys1041Arg; replaces cysteine 1041 with arginine.
Molecular consequence: missense variant.
Genome position (GRCh38, 1-based): chr8:31,141,583, T>C. VCF-style: chr8-31141583-T-C. GRCh37 (hg19) VCF-style: chr8-30999099-T-C.
Other names: short protein forms C1041R.
Identifiers: ClinVar variation 1387333 (VCV001387333.6), dbSNP rs2130416100, ClinGen allele CA370922546.

ClinVar aggregate classification (germline): Uncertain significance (1 of 4 stars; one submission).

Conditions:
Werner syndrome (WRN). Identifiers: Orphanet 902, MedGen C0043119, MONDO:0010196, OMIM 277700.

Allele frequency attached by ClinVar (database versions not stated): gnomAD exomes below 0.00001.
gnomAD v4.1: 1 of 1,614,180 alleles (0.000062%); highest among the groups gnomAD compares: Non-Finnish European, 0.000085%; no homozygotes.

Submission:

Labcorp Genetics (formerly Invitae), Labcorp
Classification: Uncertain significance for Werner syndrome. Last evaluated: 2021-04-13. Review status: criteria provided, single submitter. Criteria: Invitae Variant Classification Sherloc (09022015). Collection method: clinical testing. Allele origin: germline.
Comment: This variant is not present in population databases (ExAC no frequency). In summary, the available evidence is currently insufficient to determine the role of this variant in disease. Therefore, it has been classified as a Variant of Uncertain Significance. Algorithms developed to predict the effect of missense changes on protein structure and function are either unavailable or do not agree on the potential impact of this missense change (SIFT: "Not Available"; PolyPhen-2: "Probably Damaging"; Align-GVGD: "Not Available"). This variant has not been reported in the literature in individuals with WRN-related conditions. This sequence change replaces cysteine with arginine at codon 1041 of the WRN protein (p.Cys1041Arg). The cysteine residue is highly conserved and there is a large physicochemical difference between cysteine and arginine.